The following is an entry in ClinVar:

ClinVar aggregate classification (germline): Conflicting classifications of pathogenicity. Review status: criteria provided, conflicting classifications (1 of 4 stars). 4 submissions from 4 submitters: Likely pathogenic (1); Uncertain significance (3). Last evaluated 2025-09-30.

Conditions:
Leukoencephalopathy-thalamus and brainstem anomalies-high lactate syndrome. Also called: LEUKOENCEPHALOPATHY WITH THALAMUS AND BRAINSTEM INVOLVEMENT AND HIGH LACTATE; Combined oxidative phosphorylation deficiency 12. Identifiers: Orphanet 314051, MedGen C4706421, MONDO:0013971, OMIM 614924.

Allele frequency attached by ClinVar (database versions not stated): gnomAD exomes 0.00001 and 0.00002; gnomAD 0.00003; TOPMed 0.00002; ExAC 0.00003.

Submissions (4):

GeneDx
Classification: Likely pathogenic. Last evaluated: 2025-09-30. Review status: criteria provided, single submitter. Criteria: GeneDx Variant Classification Process June 2021. Collection method: clinical testing. Allele origin: germline.
Comment: In silico analysis supports that this missense variant has a deleterious effect on protein structure/function; This variant is associated with the following publications: (PMID: 33258288)

Laboratorio de Genetica e Diagnostico Molecular, Hospital Israelita Albert Einstein
Classification: Uncertain significance for Leukoencephalopathy-thalamus and brainstem anomalies-high lactate syndrome. Last evaluated: 2023-07-26. Review status: criteria provided, single submitter. Criteria: ACMG Guidelines, 2015. Collection method: clinical testing. Allele origin: germline. Affected: yes.
Comment: ACMG classification criteria: PM2 moderate, BP4 supporting

Labcorp Genetics (formerly Invitae), Labcorp
Classification: Uncertain significance. Last evaluated: 2022-08-01. Review status: criteria provided, single submitter. Criteria: Invitae Variant Classification Sherloc (09022015). Collection method: clinical testing. Allele origin: germline.
Comment: In summary, the available evidence is currently insufficient to determine the role of this variant in disease. Therefore, it has been classified as a Variant of Uncertain Significance. Advanced modeling of protein sequence and biophysical properties (such as structural, functional, and spatial information, amino acid conservation, physicochemical variation, residue mobility, and thermodynamic stability) performed at Invitae indicates that this missense variant is expected to disrupt EARS2 protein function. ClinVar contains an entry for this variant (Variation ID: 803227). This missense change has been observed in individual(s) with clinical features of mitochondrial disease (PMID: 33258288). This variant is present in population databases (rs763888954, gnomAD 0.04%). This sequence change replaces aspartic acid, which is acidic and polar, with asparagine, which is neutral and polar, at codon 415 of the EARS2 protein (p.Asp415Asn).

Mendelics
Classification: Uncertain significance for Leukoencephalopathy-thalamus and brainstem anomalies-high lactate syndrome. Last evaluated: 2019-05-28. Review status: criteria provided, single submitter. Criteria: Mendelics Assertion Criteria 2017. Collection method: clinical testing. Allele origin: unknown.

Literature cited by the submitters: PubMed 33258288 (cited by Labcorp Genetics (formerly Invitae), Labcorp).

NM_001083614.2(EARS2):c.1243G>A (p.Asp415Asn)

Gene: EARS2 (glutamyl-tRNA synthetase 2, mitochondrial; minus strand). Cytogenetic location: 16p12.2.
Variant type: single nucleotide variant.
Coding change: c.1243G>A on transcript NM_001083614.2 (MANE Select); coding-DNA position 1243, G replaced by A.
Protein change: p.Asp415Asn; replaces aspartic acid 415 with asparagine.
Molecular consequence: missense variant. On other transcripts: non-coding transcript variant (1).
Genome position (GRCh38, 1-based): chr16:23,529,611, C>T on the plus strand (G>A on the coding strand, the complement: EARS2 is on the minus strand). VCF-style: chr16-23529611-C-T. GRCh37 (hg19) VCF-style: chr16-23540932-C-T.
Other names: c.1243G>A, p.Asp415Asn (NM_001308211.1); c.1243G>A (NM_001083614.1); short protein forms D415N.
Identifiers: ClinVar variation 803227 (VCV000803227.8), dbSNP rs763888954, ClinGen allele CA7962371.